The following is an entry in ClinVar:

NM_015922.3(NSDHL):c.893G>T (p.Trp298Leu)

Gene: NSDHL (NAD(P) dependent 3-beta-hydroxysteroid dehydrogenase NSDHL; plus strand). Cytogenetic location: Xq28.
Variant type: single nucleotide variant.
Coding change: c.893G>T on transcript NM_015922.3 (MANE Select); coding-DNA position 893, G replaced by T.
Protein change: p.Trp298Leu; replaces tryptophan 298 with leucine.
Molecular consequence: missense variant.
Genome position (GRCh38, 1-based): chrX:152,868,887, G>T. VCF-style: chrX-152868887-G-T. GRCh37 (hg19) VCF-style: chrX-152037431-G-T.
Other names: c.893G>T, p.Trp298Leu (NM_001129765.2); short protein forms W298L.
Identifiers: ClinVar variation 706009 (VCV000706009.13), dbSNP rs139186585, ClinGen allele CA10544870.

ClinVar aggregate classification (germline): Likely benign. Review status: criteria provided, multiple submitters, no conflicts (2 of 4 stars). 4 submissions from 4 submitters: Likely benign (3). 1 of the submissions does not count toward it. Last evaluated 2026-07-01.

Conditions:
NSDHL-related disorder. Also called: NSDHL-Related Disorders; NSDHL-related condition. Identifiers: MedGen CN381535.
Child syndrome. Also called: CHILD (Congenital Hemidysplasia with Ichthyosiform Nevus and Limb Defects) Syndrome. Identifiers: Orphanet 139, MedGen C0265267, MONDO:0010621, OMIM 308050.
CK syndrome. Also called: MENTAL RETARDATION, X-LINKED, WITH THIN BODY HABITUS AND CORTICAL MALFORMATION. Identifiers: Orphanet 251383, MedGen C3151781, MONDO:0010441, OMIM 300831.

Allele frequency attached by ClinVar (database versions not stated): gnomAD exomes 0.00010 and 0.00029; ExAC 0.00040; 1000 Genomes Project 30x 0.00062; 1000 Genomes Project 0.00079; gnomAD 0.00133 and 0.00143; TOPMed 0.00177; ESP Exome Variant Server 0.00227.
gnomAD v4.1: 274 of 1,209,732 alleles (0.023%); highest among the groups gnomAD compares: African/African-American, 0.4%; 2 homozygotes.

Submissions (4):

CeGaT Center for Human Genetics Tuebingen
Classification: Likely benign. Last evaluated: 2026-07-01. Review status: criteria provided, single submitter. Criteria: CeGaT Center For Human Genetics Tuebingen Variant Classification Criteria Version 2. Collection method: clinical testing. Allele origin: germline. Affected: yes. Observed: 1 variant allele.
Comment: NSDHL: BS2

Labcorp Genetics (formerly Invitae), Labcorp
Classification: Likely benign. Last evaluated: 2026-01-15. Review status: criteria provided, single submitter. Criteria: Invitae Variant Classification Sherloc (09022015). Collection method: clinical testing. Allele origin: germline.

Fulgent Genetics
Classification: Likely benign for CK syndrome; Child syndrome. Last evaluated: 2021-07-01. Review status: criteria provided, single submitter. Criteria: ACMG Guidelines, 2015. Collection method: clinical testing. Allele origin: unknown.

PreventionGenetics, part of Exact Sciences
Classification: Likely benign for NSDHL-related condition. Last evaluated: 2021-10-04. Review status: no assertion criteria provided. Collection method: clinical testing. Allele origin: germline. Not counted in ClinVar's aggregate classification.
Comment: This variant is classified as likely benign based on ACMG/AMP sequence variant interpretation guidelines (Richards et al. 2015 PMID: 25741868, with internal and published modifications).